The following is an entry in ClinVar:

ClinVar aggregate classification (germline): Pathogenic (1 of 4 stars; one submission).

Conditions:
Hereditary nonpolyposis colorectal neoplasms. Identifiers: MedGen C0009405, MeSH D003123.

Submission:

Labcorp Genetics (formerly Invitae), Labcorp
Classification: Pathogenic for Hereditary nonpolyposis colorectal neoplasms. Last evaluated: 2025-10-19. Review status: criteria provided, single submitter. Criteria: Invitae Variant Classification Sherloc (09022015). Collection method: clinical testing. Allele origin: germline.
Comment: This sequence change creates a premature translational stop signal (p.Asn989Glnfs*6) in the MSH6 gene. It is expected to result in an absent or disrupted protein product. Loss-of-function variants in MSH6 are known to be pathogenic (PMID: 18269114, 24362816). This variant is not present in population databases (gnomAD no frequency). This variant has not been reported in the literature in individuals affected with MSH6-related conditions. For these reasons, this variant has been classified as Pathogenic.

Literature cited by the submitters: PubMed 18269114; PubMed 24362816.

NM_000179.3(MSH6):c.2965_2971del (p.Asn989fs)

Gene: MSH6 (mutS homolog 6; plus strand). Cytogenetic location: 2p16.3.
Variant type: Deletion.
Coding change: c.2965_2971del on transcript NM_000179.3 (MANE Select); coding-DNA positions 2965 to 2971, 7 bases deleted (AATTTGC; older notation c.2965_2971delAATTTGC).
Protein change: p.Asn989fs; shifts the reading frame from asparagine 989.
Molecular consequence: frameshift variant. On other transcripts: non-coding transcript variant (5), intron variant (2).
Genome position (GRCh38, 1-based): chr2:47,800,948-47,800,954, AATTTGC deleted; deleting any 7 consecutive bases within chr2:47,800,946-47,800,954 gives the same sequence; the c. name uses the placement nearest the transcript's 3' end. VCF-style (leftmost placement, unchanged base first): chr2-47800945-CGCAATTT-C. GRCh37 (hg19) VCF-style: chr2-48028084-CGCAATTT-C.
Other names: c.2575_2581del, p.Asn859fs (NM_001281492.2); c.2059_2065del, p.Asn687fs (NM_001281493.2, NM_001281494.2, NM_001406811.1 and 6 more transcripts); c.3061_3067del, p.Asn1021fs (NM_001406795.1, NM_001406802.1); c.2965_2971del, p.Asn989fs (NM_001406796.1, NM_001406798.1, NM_001406800.1 and 2 more transcripts); c.2668_2674del, p.Asn890fs (NM_001406797.1, NM_001406801.1, NM_001406805.1 and 10 more transcripts); c.2440_2446del, p.Asn814fs (NM_001406799.1, NM_001406806.1, NM_001406807.1); c.2887_2893del, p.Asn963fs (NM_001406804.1); c.2971_2977del, p.Asn991fs (NM_001406813.1); and 4 more; short protein forms N1021fs, N859fs, N963fs, N814fs, N890fs, N933fs, N989fs, N991fs.
Identifiers: ClinVar variation 4729483 (VCV004729483.1).